The following is an entry in ClinVar:

ClinVar aggregate classification (germline): Uncertain significance. Review status: criteria provided, multiple submitters, no conflicts (2 of 4 stars). 2 submissions from 2 submitters: Uncertain significance (2). Last evaluated 2025-01-10.

Allele frequency attached by ClinVar (database versions not stated): TOPMed below 0.00001; gnomAD 0.00002; gnomAD exomes 0.00004; ExAC 0.00006.
gnomAD v4.1: 59 of 1,613,496 alleles (0.0037%); highest among the groups gnomAD compares: South Asian, 0.061%; 1 homozygote.

Submissions (2):

Ambry Genetics
Classification: Uncertain significance. Last evaluated: 2025-01-10. Review status: criteria provided, single submitter. Criteria: Ambry Variant Classification Scheme 2023. Collection method: clinical testing. Allele origin: germline.

Labcorp Genetics (formerly Invitae), Labcorp
Classification: Uncertain significance. Last evaluated: 2023-03-14. Review status: criteria provided, single submitter. Criteria: Invitae Variant Classification Sherloc (09022015). Collection method: clinical testing. Allele origin: germline.
Comment: In summary, the available evidence is currently insufficient to determine the role of this variant in disease. Therefore, it has been classified as a Variant of Uncertain Significance. An algorithm developed to predict the effect of missense changes on protein structure and function (PolyPhen-2) suggests that this variant is likely to be disruptive. This variant has not been reported in the literature in individuals affected with HMCN1-related conditions. This variant is present in population databases (rs766145490, gnomAD 0.04%), and has an allele count higher than expected for a pathogenic variant. This sequence change replaces asparagine, which is neutral and polar, with aspartic acid, which is acidic and polar, at codon 279 of the HMCN1 protein (p.Asn279Asp).

NM_031935.3(HMCN1):c.835A>G (p.Asn279Asp)

Gene: HMCN1 (hemicentin 1; plus strand). Cytogenetic location: 1q31.1.
Variant type: single nucleotide variant.
Coding change: c.835A>G on transcript NM_031935.3 (MANE Select); coding-DNA position 835, A replaced by G.
Protein change: p.Asn279Asp; replaces asparagine 279 with aspartic acid.
Molecular consequence: missense variant.
Genome position (GRCh38, 1-based): chr1:185,911,715, A>G. VCF-style: chr1-185911715-A-G. GRCh37 (hg19) VCF-style: chr1-185880847-A-G.
Other names: c.835A>G (NM_031935.2); short protein forms N279D.
Identifiers: ClinVar variation 2980425 (VCV002980425.4), dbSNP rs766145490, ClinGen allele CA1290960.